The following is an entry in ClinVar:

ClinVar aggregate classification (germline): Uncertain significance (1 of 4 stars; one submission).

Submission:

Labcorp Genetics (formerly Invitae), Labcorp
Classification: Uncertain significance. Last evaluated: 2024-04-06. Review status: criteria provided, single submitter. Criteria: Invitae Variant Classification Sherloc (09022015). Collection method: clinical testing. Allele origin: germline.
Comment: This sequence change replaces isoleucine, which is neutral and non-polar, with methionine, which is neutral and non-polar, at codon 1878 of the TRRAP protein (p.Ile1878Met). This variant is not present in population databases (gnomAD no frequency). This variant has not been reported in the literature in individuals affected with TRRAP-related conditions. Advanced modeling of protein sequence and biophysical properties (such as structural, functional, and spatial information, amino acid conservation, physicochemical variation, residue mobility, and thermodynamic stability) has been performed at Invitae for this missense variant, however the output from this modeling did not meet the statistical confidence thresholds required to predict the impact of this variant on TRRAP protein function. In summary, the available evidence is currently insufficient to determine the role of this variant in disease. Therefore, it has been classified as a Variant of Uncertain Significance.

NM_001375524.1(TRRAP):c.5709A>G (p.Ile1903Met)

Gene: TRRAP (transformation/transcription domain associated protein; plus strand). Cytogenetic location: 7q22.1.
Variant type: single nucleotide variant.
Coding change: c.5709A>G on transcript NM_001375524.1 (MANE Select); coding-DNA position 5709, A replaced by G.
Protein change: p.Ile1903Met; replaces isoleucine 1903 with methionine.
Molecular consequence: missense variant.
Genome position (GRCh38, 1-based): chr7:98,953,412, A>G. VCF-style: chr7-98953412-A-G. GRCh37 (hg19) VCF-style: chr7-98551035-A-G.
Other names: c.5688A>G, p.Ile1896Met (NM_001244580.2); c.5634A>G, p.Ile1878Met (NM_003496.4); short protein forms I1896M, I1878M, I1903M.
Identifiers: ClinVar variation 3648861 (VCV003648861.2).